The following is an entry in ClinVar:

ClinVar aggregate classification (germline): Benign/Likely benign. Review status: criteria provided, multiple submitters, no conflicts (2 of 4 stars). 6 submissions from 6 submitters: Benign (4); Likely benign (2). Last evaluated 2026-02-01.

Conditions:
Meier-Gorlin syndrome 4 (MGORS4). Identifiers: Orphanet 2554, MedGen C3151120, MONDO:0013431, OMIM 613804.

Allele frequency attached by ClinVar (database versions not stated): TOPMed 0.00118; 1000 Genomes Project 30x 0.00125; ESP Exome Variant Server 0.00131; 1000 Genomes Project 0.00140.
gnomAD v4.1: 5,179 of 1,612,812 alleles (0.32%); highest among the groups gnomAD compares: South Asian, 0.3%; 96 homozygotes.

Submissions (6):

CeGaT Center for Human Genetics Tuebingen
Classification: Likely benign. Last evaluated: 2026-02-01. Review status: criteria provided, single submitter. Criteria: CeGaT Center For Human Genetics Tuebingen Variant Classification Criteria Version 2. Collection method: clinical testing. Allele origin: germline. Affected: yes. Observed: 4 variant alleles.
Comment: CDT1: BS2

Labcorp Genetics (formerly Invitae), Labcorp
Classification: Benign. Last evaluated: 2025-12-01. Review status: criteria provided, single submitter. Criteria: Invitae Variant Classification Sherloc (09022015). Collection method: clinical testing. Allele origin: germline.

Blueprint Genetics
Classification: Likely benign. Last evaluated: 2024-11-21. Review status: criteria provided, single submitter. Criteria: ACMG Guidelines, 2015. Collection method: clinical testing. Allele origin: germline.

Mendelics
Classification: Benign for Meier-Gorlin syndrome 4. Last evaluated: 2019-05-28. Review status: criteria provided, single submitter. Criteria: Mendelics Assertion Criteria 2017. Collection method: clinical testing. Allele origin: unknown.

GeneDx
Classification: Benign. Last evaluated: 2018-11-10. Review status: criteria provided, single submitter. Criteria: GeneDx Variant Classification Process June 2021. Collection method: clinical testing. Allele origin: germline. Affected: yes.

Breakthrough Genomics
Classification: Benign. Review status: criteria provided, single submitter. Criteria: ACMG Guidelines, 2015. Collection method: not provided. Allele origin: germline. Inheritance: Autosomal recessive inheritance. Affected: yes.

NM_030928.4(CDT1):c.248C>T (p.Pro83Leu)

Gene: CDT1 (chromatin licensing and DNA replication factor 1; plus strand). Cytogenetic location: 16q24.3.
Variant type: single nucleotide variant.
Coding change: c.248C>T on transcript NM_030928.4 (MANE Select); coding-DNA position 248, C replaced by T.
Protein change: p.Pro83Leu; replaces proline 83 with leucine.
Molecular consequence: missense variant.
Genome position (GRCh38, 1-based): chr16:88,804,564, C>T. VCF-style: chr16-88804564-C-T. GRCh37 (hg19) VCF-style: chr16-88870972-C-T.
Other names: short protein forms P83L.
Identifiers: ClinVar variation 790427 (VCV000790427.37), dbSNP rs139038990, ClinGen allele CA8233538.